The following is an entry in ClinVar:

ClinVar aggregate classification (germline): Benign/Likely benign. Review status: criteria provided, multiple submitters, no conflicts (2 of 4 stars). 4 submissions from 4 submitters: Benign (1); Likely benign (3). Last evaluated 2025-10-13.

Conditions:
Hereditary cancer-predisposing syndrome. Also called: Neoplastic Syndromes, Hereditary; Hereditary neoplastic syndrome; Hereditary Cancer Syndrome; Tumor predisposition. Identifiers: Orphanet 140162, MedGen C0027672, MeSH D009386, MONDO:0015356.
Peutz-Jeghers syndrome (PJS). Also called: Peutz-Jeghers polyposis; Periorificial lentiginosis syndrome; POLYPOSIS, HAMARTOMATOUS INTESTINAL; POLYPS-AND-SPOTS SYNDROME. Identifiers: Orphanet 2869, MedGen C0031269, MeSH D010580, MONDO:0008280, OMIM 175200.

Allele frequency attached by ClinVar (database versions not stated): gnomAD exomes below 0.00001.
gnomAD v4.1: 1 of 1,608,208 alleles (0.000062%); highest among the groups gnomAD compares: South Asian, 0.0011%; no homozygotes.

Submissions (4):

Labcorp Genetics (formerly Invitae), Labcorp
Classification: Likely benign for Peutz-Jeghers syndrome. Last evaluated: 2025-10-13. Review status: criteria provided, single submitter. Criteria: Invitae Variant Classification Sherloc (09022015). Collection method: clinical testing. Allele origin: germline.

Myriad Genetics, Inc.
Classification: Benign for Peutz-Jeghers syndrome. Last evaluated: 2025-03-26. Review status: criteria provided, single submitter. Criteria: Myriad Autosomal Dominant, Autosomal Recessive and X-Linked Classification Criteria (2023). Collection method: clinical testing. Allele origin: unknown.
Comment: This variant is considered benign. This variant is a silent/synonymous amino acid change and it is not expected to impact splicing.

All of Us Research Program, National Institutes of Health
Classification: Likely benign for Peutz-Jeghers syndrome. Last evaluated: 2024-05-30. Review status: criteria provided, single submitter. Criteria: ACMG Guidelines, 2015. Collection method: clinical testing. Allele origin: germline. Inheritance: Autosomal dominant inheritance. Observed: 1 variant allele, 1 heterozygote.
Comment: This study involves interpretation of variants in research participants for the purpose of population health screening. Participant phenotype was not available at the time of variant classification. Additional details can be found in publication PMID: 35346344, PMCID: PMC8962531

Color Diagnostics, LLC DBA Color Health
Classification: Likely benign for Hereditary cancer-predisposing syndrome. Last evaluated: 2020-11-13. Review status: criteria provided, single submitter. Criteria: ACMG Guidelines, 2015. Collection method: clinical testing. Allele origin: germline.

NM_000455.5(STK11):c.654T>A (p.Ala218=)

Gene: STK11 (serine/threonine kinase 11; plus strand). Cytogenetic location: 19p13.3.
Variant type: single nucleotide variant.
Coding change: c.654T>A on transcript NM_000455.5 (MANE Select); coding-DNA position 654, T replaced by A.
Protein change: p.Ala218=; no amino-acid change (alanine 218 retained).
Molecular consequence: synonymous variant.
Genome position (GRCh38, 1-based): chr19:1,220,637, T>A. VCF-style: chr19-1220637-T-A. GRCh37 (hg19) VCF-style: chr19-1220636-T-A.
Identifiers: ClinVar variation 1104445 (VCV001104445.13), dbSNP rs2145425219, ClinGen allele CA504892393.